The following is an entry in ClinVar:

ClinVar aggregate classification (germline): Uncertain significance (1 of 4 stars; one submission).

Conditions:
Dyskeratosis congenita. Identifiers: Orphanet 1775, MedGen C0265965, MONDO:0015780.

Allele frequency attached by ClinVar (database versions not stated): gnomAD exomes below 0.00001.

Submission:

Labcorp Genetics (formerly Invitae), Labcorp
Classification: Uncertain significance for Dyskeratosis congenita. Last evaluated: 2019-11-10. Review status: criteria provided, single submitter. Criteria: Invitae Variant Classification Sherloc (09022015). Collection method: clinical testing. Allele origin: germline.
Comment: This sequence change replaces glycine with aspartic acid at codon 221 of the CTC1 protein (p.Gly221Asp). The glycine residue is moderately conserved and there is a moderate physicochemical difference between glycine and aspartic acid. This variant is not present in population databases (ExAC no frequency). This variant has not been reported in the literature in individuals with CTC1-related conditions. Algorithms developed to predict the effect of missense changes on protein structure and function output the following: SIFT: "Tolerated"; PolyPhen-2: "Benign"; Align-GVGD: "Class C0". The aspartic acid amino acid residue is found in multiple mammalian species, suggesting that this missense change does not adversely affect protein function. These predictions have not been confirmed by published functional studies and their clinical significance is uncertain. In summary, the available evidence is currently insufficient to determine the role of this variant in disease. Therefore, it has been classified as a Variant of Uncertain Significance.

NM_025099.6(CTC1):c.662G>A (p.Gly221Asp)

Gene: CTC1 (CST telomere replication complex component 1; minus strand). Cytogenetic location: 17p13.1.
Variant type: single nucleotide variant.
Coding change: c.662G>A on transcript NM_025099.6 (MANE Select); coding-DNA position 662, G replaced by A.
Protein change: p.Gly221Asp; replaces glycine 221 with aspartic acid.
Molecular consequence: missense variant.
Genome position (GRCh38, 1-based): chr17:8,237,505, C>T on the plus strand (G>A on the coding strand, the complement: CTC1 is on the minus strand). VCF-style: chr17-8237505-C-T. GRCh37 (hg19) VCF-style: chr17-8140823-C-T.
Other names: short protein forms G221D.
Identifiers: ClinVar variation 934398 (VCV000934398.8), dbSNP rs1987831900, ClinGen allele CA397992002.
Genomic context (GRCh38, chr17:8,237,505, plus strand): 5'-TGTTTACTTTTCACCAGAGCACTCAATCGAACTAGACTCCCAGCCAGGTTTCGCTGCACA[C>T]CTCTGAGCTTGTTTCTAAGAAGGAAGAAAAAGCCCTGTAATCCCAGCTACTCAGGAGGCT-3'
Protein context (NP_079375.3, residues 211-231): CLLRLRNKLR[Gly221Asp]VQRNLAGSLV